The following is an entry in ClinVar:

ClinVar aggregate classification (germline): Uncertain significance. Review status: criteria provided, multiple submitters, no conflicts (2 of 4 stars). 5 submissions from 5 submitters: Uncertain significance (5). Last evaluated 2026-03-26.

Conditions:
Hereditary cancer-predisposing syndrome. Also called: Neoplastic Syndromes, Hereditary; Tumor predisposition; Hereditary neoplastic syndrome; Hereditary Cancer Syndrome. Identifiers: Orphanet 140162, MedGen C0027672, MeSH D009386, MONDO:0015356.
Pheochromocytoma. Also called: MAX-Related Hereditary Paraganglioma-Pheochromocytoma Syndrome. Identifiers: Orphanet 29072, MedGen C0031511, MONDO:0008233, OMIM 171300, HP:0002666.
Gastrointestinal stromal tumor. Also called: Gastrointestinal stroma tumor; Gastrointestinal stromal tumor, somatic. Identifiers: Orphanet 44890, MedGen C0238198, MeSH D046152, MONDO:0011719, OMIM 606764, HP:0100723.
Pheochromocytoma/paraganglioma syndrome 4. Also called: SDHB-Related Hereditary Paraganglioma-Pheochromocytoma Syndrome; Paragangliomas 4; PARAGANGLIOMA, FAMILIAL MALIGNANT; PARAGANGLIOMAS, HEREDITARY EXTRAADRENAL; PHEOCHROMOCYTOMA, FAMILIAL EXTRAADRENAL; CAROTID BODY TUMORS AND MULTIPLE EXTRAADRENAL PHEOCHROMOCYTOMAS. Identifiers: Orphanet 29072, MedGen C1861848, MONDO:0007273, OMIM 115310.
Hereditary pheochromocytoma and paraganglioma. Also called: Hereditary Paraganglioma-Pheochromocytoma Syndromes; Hereditary paragangliomas and pheochromocytomas; Hereditary pheochromocytoma-paraganglioma. Identifiers: Orphanet 29072, MedGen C4274332, MONDO:0017366.
Cowden syndrome (CS). Also called: Cowden's disease; Cowden's syndrome; Cowden disease. Identifiers: Orphanet 201, MedGen C0018553, MONDO:0016063. Disease mechanism: gain of function.

Submissions (5):

Ambry Genetics
Classification: Uncertain significance for Hereditary cancer-predisposing syndrome. Last evaluated: 2026-03-26. Review status: criteria provided, single submitter. Criteria: Ambry Variant Classification Scheme 2023. Collection method: clinical testing. Allele origin: germline.

Color Diagnostics, LLC DBA Color Health
Classification: Uncertain significance for Hereditary pheochromocytoma and paraganglioma. Last evaluated: 2025-09-29. Review status: criteria provided, single submitter. Criteria: ACMG Guidelines, 2015. Collection method: clinical testing. Allele origin: germline.
Comment: This missense variant replaces isoleucine with valine at codon 187 of the SDHB protein. Computational prediction suggests that this variant may have deleterious impact on protein structure and function. To our knowledge, functional studies have not been reported for this variant. This variant has not been reported in individuals affected with SDHB-related disorders in the literature. This variant has not been identified in the general population by the Genome Aggregation Database (gnomAD). The available evidence is insufficient to determine the role of this variant in disease conclusively. Therefore, this variant is classified as a Variant of Uncertain Significance.

Labcorp Genetics (formerly Invitae), Labcorp
Classification: Uncertain significance for Gastrointestinal stromal tumor; Pheochromocytoma/paraganglioma syndrome 4; Pheochromocytoma. Last evaluated: 2025-04-06. Review status: criteria provided, single submitter. Criteria: Invitae Variant Classification Sherloc (09022015). Collection method: clinical testing. Allele origin: germline.
Comment: This sequence change replaces isoleucine, which is neutral and non-polar, with valine, which is neutral and non-polar, at codon 187 of the SDHB protein (p.Ile187Val). This variant is not present in population databases (gnomAD no frequency). This variant has not been reported in the literature in individuals affected with SDHB-related conditions. ClinVar contains an entry for this variant (Variation ID: 581998). Invitae Evidence Modeling of protein sequence and biophysical properties (such as structural, functional, and spatial information, amino acid conservation, physicochemical variation, residue mobility, and thermodynamic stability) indicates that this missense variant is not expected to disrupt SDHB protein function with a negative predictive value of 80%. In summary, the available evidence is currently insufficient to determine the role of this variant in disease. Therefore, it has been classified as a Variant of Uncertain Significance.

Baylor Genetics
Classification: Uncertain significance for Gastrointestinal stromal tumor. Last evaluated: 2023-08-09. Review status: criteria provided, single submitter. Criteria: ACMG Guidelines, 2015. Collection method: clinical testing. Allele origin: unknown.

Mendelics
Classification: Uncertain significance for COWDEN SYNDROME 2. Last evaluated: 2018-07-02. Review status: criteria provided, single submitter. Criteria: Mendelics Assertion Criteria 2017. Collection method: clinical testing. Allele origin: unknown.

NM_003000.3(SDHB):c.559A>G (p.Ile187Val)

Gene: SDHB (succinate dehydrogenase complex iron sulfur subunit B; minus strand). Cytogenetic location: 1p36.13.
Variant type: single nucleotide variant.
Coding change: c.559A>G on transcript NM_003000.3 (MANE Select); coding-DNA position 559, A replaced by G.
Protein change: p.Ile187Val; replaces isoleucine 187 with valine.
Molecular consequence: missense variant.
Genome position (GRCh38, 1-based): chr1:17,024,056, T>C on the plus strand (A>G on the coding strand, the complement: SDHB is on the minus strand). VCF-style: chr1-17024056-T-C. GRCh37 (hg19) VCF-style: chr1-17350551-T-C.
Other names: short protein forms I187V.
Identifiers: ClinVar variation 581998 (VCV000581998.11), dbSNP rs1557739989, ClinGen allele CA338271366.
Genomic context (GRCh38, chr1:17,024,056, plus strand): 5'-GATATTTGTCTCCGTTCCACCAGTAGCTGGGGCAGCTGGTGCTACAGCAGGCACAGAGAA[T>C]GCACTCGTAGAGCCCGTCCTGTATGGGGAGAAAAGAGAGGCAGGAGCTTGTGACGGGAGA-3'
Protein context (NP_002991.2, residues 177-197): REKLDGLYEC[Ile187Val]LCACCSTSCP